The following is an entry in ClinVar:

NM_018180.3(DHX32):c.640A>G (p.Ile214Val)

Gene: DHX32 (DEAH-box helicase 32 (putative); minus strand). Cytogenetic location: 10q26.2.
Variant type: single nucleotide variant.
Coding change: c.640A>G on transcript NM_018180.3 (MANE Select); coding-DNA position 640, A replaced by G.
Protein change: p.Ile214Val; replaces isoleucine 214 with valine.
Molecular consequence: missense variant.
Genome position (GRCh38, 1-based): chr10:125,859,812, T>C on the plus strand (A>G on the coding strand, the complement: DHX32 is on the minus strand). VCF-style: chr10-125859812-T-C. GRCh37 (hg19) VCF-style: chr10-127548381-T-C.
Other names: short protein forms I214V.
Identifiers: ClinVar variation 1520645 (VCV001520645.6), dbSNP rs1251542609, ClinGen allele CA378678714.

ClinVar aggregate classification (germline): Uncertain significance (1 of 4 stars; one submission).

Allele frequency attached by ClinVar (database versions not stated): gnomAD exomes below 0.00001 and 0.00001; TOPMed 0.00001.
gnomAD v4.1: 8 of 1,613,892 alleles (0.0005%); highest among the groups gnomAD compares: Non-Finnish European, 0.00068%; no homozygotes.

Submission:

Labcorp Genetics (formerly Invitae), Labcorp
Classification: Uncertain significance. Last evaluated: 2022-09-01. Review status: criteria provided, single submitter. Criteria: Invitae Variant Classification Sherloc (09022015). Collection method: clinical testing. Allele origin: germline.
Comment: In summary, the available evidence is currently insufficient to determine the role of this variant in disease. Therefore, it has been classified as a Variant of Uncertain Significance. Algorithms developed to predict the effect of sequence changes on RNA splicing suggest that this variant may create or strengthen a splice site. Algorithms developed to predict the effect of missense changes on protein structure and function output the following: SIFT: "Tolerated"; PolyPhen-2: "Benign"; Align-GVGD: "Class C0". The valine amino acid residue is found in multiple mammalian species, which suggests that this missense change does not adversely affect protein function. ClinVar contains an entry for this variant (Variation ID: 1520645). This variant has not been reported in the literature in individuals affected with DHX32-related conditions. This variant is present in population databases (no rsID available, gnomAD 0.0009%). This sequence change replaces isoleucine, which is neutral and non-polar, with valine, which is neutral and non-polar, at codon 214 of the DHX32 protein (p.Ile214Val).